The following is an entry in ClinVar:

ClinVar aggregate classification (germline): Uncertain significance (1 of 4 stars; one submission).

Conditions:
Blepharophimosis - intellectual disability syndrome, MKB type. Also called: BLEPHAROPHIMOSIS-MENTAL RETARDATION SYNDROME, MAAT-KIEVIT-BRUNNER TYPE; Ohdo syndrome, X-linked; X-Linked Ohdo Syndrome (XLOS). Identifiers: Orphanet 293707, MedGen C3698541, MONDO:0010477, OMIM 300895.

Allele frequency attached by ClinVar (database versions not stated): gnomAD exomes below 0.00001; ExAC 0.00002.
gnomAD v4.1: 2 of 1,199,192 alleles (0.00017%); highest among the groups gnomAD compares: Non-Finnish European, 0.00022%; no homozygotes.

Submission:

Laboratorio de Genetica e Diagnostico Molecular, Hospital Israelita Albert Einstein
Classification: Uncertain significance for Blepharophimosis - intellectual disability syndrome, MKB type. Last evaluated: 2022-06-10. Review status: criteria provided, single submitter. Criteria: ACMG Guidelines, 2015. Collection method: clinical testing. Allele origin: germline. Affected: yes. Observed: 1 variant allele.
Comment: ACMG classification criteria: PM2 moderated, PP2 supporting, BP4 supporting

NM_005120.3(MED12):c.5310C>A (p.Asp1770Glu)

Gene: MED12 (mediator complex subunit 12; plus strand). Cytogenetic location: Xq13.1.
Variant type: single nucleotide variant.
Coding change: c.5310C>A on transcript NM_005120.3 (MANE Select); coding-DNA position 5310, C replaced by A.
Protein change: p.Asp1770Glu; replaces aspartic acid 1770 with glutamic acid.
Molecular consequence: missense variant.
Genome position (GRCh38, 1-based): chrX:71,136,565, C>A. VCF-style: chrX-71136565-C-A. GRCh37 (hg19) VCF-style: chrX-70356415-C-A.
Other names: short protein forms D1770E.
Identifiers: ClinVar variation 2431943 (VCV002431943.1), dbSNP rs768875937, ClinGen allele CA10444764.